The following is an entry in ClinVar:

NM_001127208.3(TET2):c.2463G>T (p.Gln821His)

Genes: TET2 (tet methylcytosine dioxygenase 2; plus strand), TET2-AS1 (TET2 antisense RNA 1; minus strand). Cytogenetic location: 4q24.
Variant type: single nucleotide variant.
Coding change: c.2463G>T on transcript NM_001127208.3 (MANE Select); coding-DNA position 2463, G replaced by T.
Protein change: p.Gln821His; replaces glutamine 821 with histidine.
Molecular consequence: missense variant.
Genome position (GRCh38, 1-based): chr4:105,236,405, G>T. VCF-style: chr4-105236405-G-T. GRCh37 (hg19) VCF-style: chr4-106157562-G-T.
Other names: c.2463G>T, p.Gln821His (NM_017628.4); short protein forms Q821H.
Identifiers: ClinVar variation 4594222 (VCV004594222.1).

ClinVar aggregate classification (germline): Uncertain significance (1 of 4 stars; one submission).

Submission:

Ambry Genetics
Classification: Uncertain significance. Last evaluated: 2025-11-26. Review status: criteria provided, single submitter. Criteria: Ambry Variant Classification Scheme 2023. Collection method: clinical testing. Allele origin: germline.
Comment: The p.Q821H variant (also known as c.2463G>T), located in coding exon 1 of the TET2 gene, results from a G to T substitution at nucleotide position 2463. The glutamine at codon 821 is replaced by histidine, an amino acid with highly similar properties. This amino acid position is conserved. In addition, this alteration is predicted to be tolerated by in silico analysis. Based on the available evidence, the clinical significance of this variant remains unclear.